The following is an entry in ClinVar:

ClinVar aggregate classification (germline): Likely benign. Review status: criteria provided, multiple submitters, no conflicts (2 of 4 stars). 3 submissions from 3 submitters: Likely benign (2). 1 of the submissions does not count toward it. Last evaluated 2026-01-24.

Conditions:
SACS-related disorder. Also called: SACS-related condition.
Spastic paraplegia. Identifiers: MedGen C0037772, HP:0001258.

Allele frequency attached by ClinVar (database versions not stated): gnomAD 0.00001; TOPMed 0.00001; gnomAD exomes 0.00002; ExAC 0.00004.
gnomAD v4.1: 26 of 1,613,898 alleles (0.0016%); highest among the groups gnomAD compares: Non-Finnish European, 0.002%; no homozygotes.

Submissions (3):

Labcorp Genetics (formerly Invitae), Labcorp
Classification: Likely benign for Spastic paraplegia. Last evaluated: 2026-01-24. Review status: criteria provided, single submitter. Criteria: Invitae Variant Classification Sherloc (09022015). Collection method: clinical testing. Allele origin: germline.

CeGaT Center for Human Genetics Tuebingen
Classification: Likely benign. Last evaluated: 2022-10-01. Review status: criteria provided, single submitter. Criteria: CeGaT Center For Human Genetics Tuebingen Variant Classification Criteria Version 2. Collection method: clinical testing. Allele origin: germline. Affected: yes. Observed: 1 variant allele.
Comment: SACS: BP4, BP7

PreventionGenetics, part of Exact Sciences
Classification: Likely benign for SACS-related condition. Last evaluated: 2019-06-11. Review status: no assertion criteria provided. Collection method: clinical testing. Allele origin: germline. Not counted in ClinVar's aggregate classification.
Comment: This variant is classified as likely benign based on ACMG/AMP sequence variant interpretation guidelines (Richards et al. 2015 PMID: 25741868, with internal and published modifications).

NM_014363.6(SACS):c.11802C>T (p.Ile3934=)

Gene: SACS (sacsin molecular chaperone; minus strand). Cytogenetic location: 13q12.12.
Variant type: single nucleotide variant.
Coding change: c.11802C>T on transcript NM_014363.6 (MANE Select); coding-DNA position 11802, C replaced by T.
Protein change: p.Ile3934=; no amino-acid change (isoleucine 3934 retained).
Molecular consequence: synonymous variant.
Genome position (GRCh38, 1-based): chr13:23,332,074, G>A on the plus strand (C>T on the coding strand, the complement: SACS is on the minus strand). VCF-style: chr13-23332074-G-A. GRCh37 (hg19) VCF-style: chr13-23906213-G-A.
Other names: c.11361C>T, p.Ile3787= (NM_001278055.2); c.11802C>T (NM_014363.5).
Identifiers: ClinVar variation 1596323 (VCV001596323.33), dbSNP rs762451306, ClinGen allele CA6910217.